The following is an entry in ClinVar:

NM_013382.7(POMT2):c.1116+4A>G

Gene: POMT2 (protein O-mannosyltransferase 2; minus strand). Cytogenetic location: 14q24.3.
Variant type: single nucleotide variant.
Coding change: c.1116+4A>G on transcript NM_013382.7 (MANE Select); 4 bases into the intron after coding-DNA position 1116, A replaced by G.
Molecular consequence: intron variant.
Genome position (GRCh38, 1-based): chr14:77,296,160, T>C on the plus strand (A>G on the coding strand, the complement: POMT2 is on the minus strand). VCF-style: chr14-77296160-T-C. GRCh37 (hg19) VCF-style: chr14-77762503-T-C.
Identifiers: ClinVar variation 288415 (VCV000288415.6), dbSNP rs779844724, ClinGen allele CA7285986.

ClinVar aggregate classification (germline): Uncertain significance. Review status: criteria provided, multiple submitters, no conflicts (2 of 4 stars). 2 submissions from 2 submitters: Uncertain significance (2). Last evaluated 2022-05-17.

Conditions:
Muscular dystrophy-dystroglycanopathy (congenital with brain and eye anomalies), type A2. Also called: WALKER-WARBURG SYNDROME OR MUSCLE-EYE-BRAIN DISEASE, POMT2-RELATED; MUSCULAR DYSTROPHY-DYSTROGLYCANOPATHY (CONGENITAL WITH BRAIN AND EYE ANOMALIES), TYPE A, 2. Identifiers: Orphanet 588, Orphanet 899, MedGen C3150411, MONDO:0013154, OMIM 613150.
Muscular dystrophy-dystroglycanopathy (congenital with impaired intellectual development), type B, 2. Also called: Muscular dystrophy-dystroglycanopathy (congenital with intellectual disability), type B2; MUSCULAR DYSTROPHY, CONGENITAL, POMT2-RELATED. Identifiers: MedGen C3150416, MONDO:0013160, OMIM 613156.
Autosomal recessive limb-girdle muscular dystrophy type 2N. Also called: MUSCULAR DYSTROPHY-DYSTROGLYCANOPATHY, LIMB-GIRDLE, POMT2-RELATED; Muscular dystrophy-dystroglycanopathy (limb-girdle), type C, 2. Identifiers: Orphanet 206559, MedGen C3150418, MONDO:0013162, OMIM 613158.

Allele frequency attached by ClinVar (database versions not stated): gnomAD 0.00001; ExAC 0.00002; gnomAD exomes 0.00001 and below 0.00001; TOPMed 0.00001.
gnomAD v4.1: 11 of 1,593,772 alleles (0.00069%); highest among the groups gnomAD compares: Non-Finnish European, 0.00094%; no homozygotes.

Submissions (2):

Labcorp Genetics (formerly Invitae), Labcorp
Classification: Uncertain significance for Muscular dystrophy-dystroglycanopathy (congenital with impaired intellectual development), type B, 2; Muscular dystrophy-dystroglycanopathy (congenital with brain and eye anomalies), type A2; Autosomal recessive limb-girdle muscular dystrophy type 2N. Last evaluated: 2022-05-17. Review status: criteria provided, single submitter. Criteria: Invitae Variant Classification Sherloc (09022015). Collection method: clinical testing. Allele origin: germline.
Comment: This sequence change falls in intron 9 of the POMT2 gene. It does not directly change the encoded amino acid sequence of the POMT2 protein. It affects a nucleotide within the consensus splice site. The frequency data for this variant in the population databases is considered unreliable, as metrics indicate poor data quality at this position in the gnomAD database. This variant has not been reported in the literature in individuals affected with POMT2-related conditions. ClinVar contains an entry for this variant (Variation ID: 288415). Variants that disrupt the consensus splice site are a relatively common cause of aberrant splicing (PMID: 17576681, 9536098). Algorithms developed to predict the effect of sequence changes on RNA splicing suggest that this variant may create or strengthen a splice site. In summary, the available evidence is currently insufficient to determine the role of this variant in disease. Therefore, it has been classified as a Variant of Uncertain Significance.

Eurofins Ntd Llc (ga)
Classification: Uncertain significance. Last evaluated: 2016-06-01. Review status: criteria provided, single submitter. Criteria: EGL Classification Definitions 2015. Collection method: clinical testing. Allele origin: germline. Observed: 1 variant allele, 1 heterozygote.

Literature cited by the submitters: PubMed 17576681 (cited by Labcorp Genetics (formerly Invitae), Labcorp); PubMed 9536098 (cited by Labcorp Genetics (formerly Invitae), Labcorp).